The following is an entry in ClinVar:

NM_032108.4(SEMA6B):c.1323C>T (p.Asn441=)

Gene: SEMA6B (semaphorin 6B; minus strand). Cytogenetic location: 19p13.3.
Variant type: single nucleotide variant.
Coding change: c.1323C>T on transcript NM_032108.4 (MANE Select); coding-DNA position 1323, C replaced by T.
Protein change: p.Asn441=; no amino-acid change (asparagine 441 retained).
Molecular consequence: synonymous variant.
Genome position (GRCh38, 1-based): chr19:4,548,394, G>A on the plus strand (C>T on the coding strand, the complement: SEMA6B is on the minus strand). VCF-style: chr19-4548394-G-A. GRCh37 (hg19) VCF-style: chr19-4548406-G-A.
Identifiers: ClinVar variation 4822268 (VCV004822268.4).

ClinVar aggregate classification (germline): Likely benign (1 of 4 stars; one submission).

gnomAD v4.1: 91 of 1,613,532 alleles (0.0056%); highest among the groups gnomAD compares: Admixed American, 0.15%; no homozygotes.

Submission:

CeGaT Center for Human Genetics Tuebingen
Classification: Likely benign. Last evaluated: 2026-01-01. Review status: criteria provided, single submitter. Criteria: CeGaT Center For Human Genetics Tuebingen Variant Classification Criteria Version 2. Collection method: clinical testing. Allele origin: germline. Affected: yes. Observed: 1 variant allele.
Comment: SEMA6B: BP4, BP7, BS1